The following is an entry in ClinVar:

NM_001267550.2(TTN):c.70885A>G (p.Met23629Val)

Genes: TTN (titin; minus strand), TTN-AS1 (TTN antisense RNA 1; plus strand). Cytogenetic location: 2q31.2.
Variant type: single nucleotide variant.
Coding change: c.70885A>G on transcript NM_001267550.2 (MANE Select); coding-DNA position 70885, A replaced by G.
Protein change: p.Met23629Val; replaces methionine 23629 with valine.
Molecular consequence: missense variant.
Genome position (GRCh38, 1-based): chr2:178,575,247, T>C on the plus strand (A>G on the coding strand, the complement: TTN is on the minus strand). VCF-style: chr2-178575247-T-C. GRCh37 (hg19) VCF-style: chr2-179439974-T-C.
Other names: c.65962A>G, p.Met21988Val (NM_001256850.1); c.43690A>G, p.Met14564Val (NM_003319.4); c.63181A>G, p.Met21061Val (NM_133378.4); c.44065A>G, p.Met14689Val (NM_133432.3); c.44266A>G, p.Met14756Val (NM_133437.4); short protein forms M14564V, M14689V, M14756V, M21061V, M21988V, M23629V.
Identifiers: ClinVar variation 1254066 (VCV001254066.6), dbSNP rs988918025, ClinGen allele CA61002417.

ClinVar aggregate classification (germline): Conflicting classifications of pathogenicity. Review status: criteria provided, conflicting classifications (1 of 4 stars). 3 submissions from 3 submitters: Uncertain significance (2); Likely benign (1). Last evaluated 2025-04-09.

Allele frequency attached by ClinVar (database versions not stated): gnomAD exomes below 0.00001; TOPMed 0.00002.
gnomAD v4.1: 5 of 1,613,238 alleles (0.00031%); highest among the groups gnomAD compares: Non-Finnish European, 0.00034%; no homozygotes.

Submissions (3):

Molecular Diagnostic Laboratory for Inherited Cardiovascular Disease, Montreal Heart Institute
Classification: Likely benign. Last evaluated: 2025-04-09. Review status: criteria provided, single submitter. Criteria: ACMG Guidelines, 2015. Collection method: clinical testing. Allele origin: germline. Affected: no.
Comment: BP1

GeneDx
Classification: Uncertain significance. Last evaluated: 2021-08-26. Review status: criteria provided, single submitter. Criteria: GeneDx Variant Classification Process June 2021. Collection method: clinical testing. Allele origin: germline. Affected: yes.
Comment: Not observed at significant frequency in large population cohorts (Lek et al., 2016); Missense variant in a gene in which most reported pathogenic variants are truncating/loss-of-function; Has not been previously published as pathogenic or benign to our knowledge

Revvity Omics, Revvity
Classification: Uncertain significance. Last evaluated: 2019-06-11. Review status: criteria provided, single submitter. Criteria: ACMG Guidelines, 2015. Collection method: clinical testing. Allele origin: germline.